The following is an entry in ClinVar:

ClinVar aggregate classification (germline): Benign. Review status: criteria provided, multiple submitters, no conflicts (2 of 4 stars). 10 submissions from 10 submitters: Benign (6). 4 of the submissions do not count toward it. Last evaluated 2026-02-04.

Conditions:
Leigh syndrome (NULS). Also called: Leigh Disease; Subacute necrotizing encephalopathy; Necrotizing encephalopathy infantile subacute of Leigh; Leigh's necrotizing encephalopathy; Leigh's disease; Leigh Syndrome (mtDNA deletion). Identifiers: Orphanet 506, MedGen C2931891, MONDO:0009723, OMIM 256000.

Allele frequency attached by ClinVar (database versions not stated): 1000 Genomes Project 30x 0.82355; 1000 Genomes Project 0.82708; ESP Exome Variant Server 0.83485; TOPMed 0.83563; gnomAD 0.83974 and 0.84102; ExAC 0.86101; gnomAD exomes 0.86358 and 0.87135.
gnomAD v4.1: 1,400,662 of 1,613,432 alleles (87%); highest among the groups gnomAD compares: Middle Eastern, 91%; 609,113 homozygotes.

Submissions (10):

Labcorp Genetics (formerly Invitae), Labcorp
Classification: Benign. Last evaluated: 2026-02-04. Review status: criteria provided, single submitter. Criteria: Invitae Variant Classification Sherloc (09022015). Collection method: clinical testing. Allele origin: germline.

Blueprint Genetics
Classification: Benign. Last evaluated: 2024-11-27. Review status: criteria provided, single submitter. Criteria: ACMG Guidelines, 2015. Collection method: clinical testing. Allele origin: germline.

Women's Health and Genetics/Laboratory Corporation of America, LabCorp
Classification: Benign. Last evaluated: 2018-09-10. Review status: criteria provided, single submitter. Criteria: LabCorp Variant Classification Summary - May 2015. Collection method: clinical testing. Allele origin: germline.
Comment: Variant summary: COX15 c.1120T>C (p.Phe374Leu) results in a non-conservative amino acid change in the encoded protein sequence. Four of five in-silico tools predict a benign effect of the variant on protein function. The variant allele was found at a frequency of 0.86 in 273702 control chromosomes (gnomAD), suggesting that it is the major allele and therefore benign. The observed variant frequency is approximately 690-fold higher than the estimated maximal expected allele frequency for a pathogenic variant in COX15 causing Leigh Syndrome phenotype (0.0013), strongly suggesting that the variant is benign. To our knowledge, no occurrence of c.1120T>C in individuals affected with Leigh Syndrome and no experimental evidence demonstrating its impact on protein function have been reported. Two ClinVar submission from other clinical diagnostic laboratories (evaluation after 2014) cite the variant as benign. Based on the evidence outlined above, the variant was classified as benign.

Illumina Laboratory Services, Illumina
Classification: Benign for Leigh syndrome. Last evaluated: 2018-01-13. Review status: criteria provided, single submitter. Criteria: ICSL Variant Classification Criteria 13 December 2019. Collection method: clinical testing. Allele origin: germline.
Comment: This variant was observed in the ICSL laboratory as part of a predisposition screen in an ostensibly healthy population. It had not been previously curated by ICSL or reported in the Human Gene Mutation Database (HGMD: prior to June 1st, 2018), and was therefore a candidate for classification through an automated scoring system. Utilizing variant allele frequency, disease prevalence and penetrance estimates, and inheritance mode, an automated score was calculated to assess if this variant is too frequent to cause the disease. Based on the score and internal cut-off values, a variant classified as benign is not then subjected to further curation. The score for this variant resulted in a classification of benign for this disease.

GeneDx
Classification: Benign. Last evaluated: 2011-07-01. Review status: criteria provided, single submitter. Criteria: GeneDx Variant Classification (06012015). Collection method: clinical testing. Allele origin: germline. Affected: yes.
Comment: This variant is considered likely benign or benign based on one or more of the following criteria: it is a conservative change, it occurs at a poorly conserved position in the protein, it is predicted to be benign by multiple in silico algorithms, and/or has population frequency not consistent with disease.

Breakthrough Genomics
Classification: Benign. Review status: criteria provided, single submitter. Criteria: ACMG Guidelines, 2015. Collection method: not provided. Allele origin: germline. Inheritance: Autosomal recessive inheritance. Affected: yes.

Mayo Clinic Laboratories, Mayo Clinic
Classification: Benign. Last evaluated: 2016-02-15. Review status: no assertion criteria provided. Collection method: clinical testing. Allele origin: unknown. Not counted in ClinVar's aggregate classification.

Diagnostic Laboratory, Department of Genetics, University Medical Center Groningen
Classification: Benign. Review status: no assertion criteria provided. Collection method: clinical testing. Allele origin: germline. Affected: yes. Study: VKGL Data-share Consensus. Not counted in ClinVar's aggregate classification.

Genetic Services Laboratory, University of Chicago
Classification: Likely benign for AllHighlyPenetrant. Review status: no assertion criteria provided. Collection method: clinical testing. Allele origin: germline. Inheritance: Autosomal recessive inheritance. Not counted in ClinVar's aggregate classification.
Comment: Likely benign based on allele frequency in 1000 Genomes Project or ESP global frequency and its presence in a patient with a rare or unrelated disease phenotype. NOT Sanger confirmed.

Joint Genome Diagnostic Labs from Nijmegen and Maastricht, Radboudumc and MUMC+
Classification: Benign. Review status: no assertion criteria provided. Collection method: clinical testing. Allele origin: germline. Affected: yes. Study: VKGL Data-share Consensus. Not counted in ClinVar's aggregate classification.

NM_078470.6(COX15):c.*1126T>C

Gene: COX15 (cytochrome c oxidase assembly factor COX15; minus strand). Cytogenetic location: 10q24.2.
Variant type: single nucleotide variant.
Coding change: c.*1126T>C on transcript NM_078470.6 (MANE Select); 1126 bases downstream of the stop codon, T replaced by C.
Molecular consequence: 3 prime UTR variant. On other transcripts: missense variant (1), non-coding transcript variant (1), intron variant (1).
Genome position (GRCh38, 1-based): chr10:99,713,461, A>G on the plus strand (T>C on the coding strand, the complement: COX15 is on the minus strand). VCF-style: chr10-99713461-A-G. GRCh37 (hg19) VCF-style: chr10-101473218-A-G.
Other names: p.F374L:TTT>CTT; c.*1307T>C (NM_001320975.2); c.*1126T>C (NM_001320976.2, NM_001372025.1, NM_001372026.1); c.*345T>C (NM_001372024.1); c.*1230T>C (NM_001372027.1); c.*553T>C (NM_001372028.1); c.1120T>C, p.Phe374Leu (NM_004376.7); c.1101+2887T>C (NM_001320974.2); short protein forms F374L.
Identifiers: ClinVar variation 128836 (VCV000128836.29), dbSNP rs2231687, ClinGen allele CA288774.